The following is an entry in ClinVar:

NM_001330078.2(NRXN1):c.4130C>G (p.Thr1377Ser)

Gene: NRXN1 (neurexin 1; minus strand). Cytogenetic location: 2p16.3.
Variant type: single nucleotide variant.
Coding change: c.4130C>G on transcript NM_001330078.2 (MANE Select); coding-DNA position 4130, C replaced by G.
Protein change: p.Thr1377Ser; replaces threonine 1377 with serine.
Molecular consequence: missense variant.
Genome position (GRCh38, 1-based): chr2:49,943,790, G>C on the plus strand (C>G on the coding strand, the complement: NRXN1 is on the minus strand). VCF-style: chr2-49943790-G-C. GRCh37 (hg19) VCF-style: chr2-50170928-G-C.
Other names: c.4250C>G, p.Thr1417Ser (NM_001135659.3); c.35C>G, p.Thr12Ser (NM_001320156.4, NM_001320157.4); c.4106C>G, p.Thr1369Ser (NM_001330077.2, NM_001330082.2); c.3974C>G, p.Thr1325Ser (NM_001330083.2); c.4064C>G, p.Thr1355Ser (NM_001330084.2); c.4103C>G, p.Thr1368Ser (NM_001330085.2); c.4130C>G, p.Thr1377Ser (NM_001330086.2); c.3929C>G, p.Thr1310Ser (NM_001330087.2, NM_001330096.2); and 7 more; short protein forms T1325S, T1376S, T1310S, T1330S, T1355S, T1368S, T1369S, T1373S.
Identifiers: ClinVar variation 1510686 (VCV001510686.8), dbSNP rs747424290, ClinGen allele CA1654267.

ClinVar aggregate classification (germline): Uncertain significance (1 of 4 stars; one submission).

Conditions:
Pitt-Hopkins-like syndrome 2 (PTHSL2). Identifiers: Orphanet 221150, Orphanet 600663, MedGen C3280479, MONDO:0013690, OMIM 614325.

Allele frequency attached by ClinVar (database versions not stated): ExAC 0.00001.
gnomAD v4.1: 1 of 1,606,846 alleles (0.000062%); highest among the groups gnomAD compares: Admixed American, 0.0017%; no homozygotes.

Submission:

Labcorp Genetics (formerly Invitae), Labcorp
Classification: Uncertain significance for Pitt-Hopkins-like syndrome 2. Last evaluated: 2022-11-08. Review status: criteria provided, single submitter. Criteria: Invitae Variant Classification Sherloc (09022015). Collection method: clinical testing. Allele origin: germline.
Comment: This sequence change replaces threonine, which is neutral and polar, with serine, which is neutral and polar, at codon 1417 of the NRXN1 protein (p.Thr1417Ser). This variant is present in population databases (rs747424290, gnomAD 0.003%). This variant has not been reported in the literature in individuals affected with NRXN1-related conditions. ClinVar contains an entry for this variant (Variation ID: 1510686). Algorithms developed to predict the effect of missense changes on protein structure and function (SIFT, PolyPhen-2, Align-GVGD) all suggest that this variant is likely to be tolerated. In summary, the available evidence is currently insufficient to determine the role of this variant in disease. Therefore, it has been classified as a Variant of Uncertain Significance.